The following is an entry in ClinVar:

ClinVar aggregate classification (germline): Uncertain significance (1 of 4 stars; one submission).

Conditions:
Hereditary cancer-predisposing syndrome. Also called: Hereditary Cancer Syndrome; Hereditary neoplastic syndrome; Neoplastic Syndromes, Hereditary; Tumor predisposition. Identifiers: Orphanet 140162, MedGen C0027672, MeSH D009386, MONDO:0015356.

Submission:

Ambry Genetics
Classification: Uncertain significance for Hereditary cancer-predisposing syndrome. Last evaluated: 2022-02-08. Review status: criteria provided, single submitter. Criteria: Ambry Variant Classification Scheme 2023. Collection method: clinical testing. Allele origin: germline.
Comment: The p.T486S variant (also known as c.1457C>G), located in coding exon 9 of the BRIP1 gene, results from a C to G substitution at nucleotide position 1457. The threonine at codon 486 is replaced by serine, an amino acid with similar properties. This amino acid position is conserved. In addition, this alteration is predicted to be tolerated by in silico analysis. Since supporting evidence is limited at this time, the clinical significance of this alteration remains unclear.

NM_032043.3(BRIP1):c.1457C>G (p.Thr486Ser)

Gene: BRIP1 (BRCA1 interacting DNA helicase 1; minus strand). Cytogenetic location: 17q23.2.
Variant type: single nucleotide variant.
Coding change: c.1457C>G on transcript NM_032043.3 (MANE Select); coding-DNA position 1457, C replaced by G.
Protein change: p.Thr486Ser; replaces threonine 486 with serine.
Molecular consequence: missense variant.
Genome position (GRCh38, 1-based): chr17:61,793,613, G>C on the plus strand (C>G on the coding strand, the complement: BRIP1 is on the minus strand). VCF-style: chr17-61793613-G-C. GRCh37 (hg19) VCF-style: chr17-59870974-G-C.
Other names: short protein forms T486S.
Identifiers: ClinVar variation 1773075 (VCV001773075.2), dbSNP rs1603340296, ClinGen allele CA400482064.